The following is an entry in ClinVar:

NM_000179.3(MSH6):c.3766dup (p.Tyr1256fs)

Gene: MSH6 (mutS homolog 6; plus strand). Cytogenetic location: 2p16.3.
Variant type: Duplication.
Coding change: c.3766dup on transcript NM_000179.3 (MANE Select); coding-DNA position 3766, one base duplicated (T; older notation c.3766dupT).
Protein change: p.Tyr1256fs; shifts the reading frame from tyrosine 1256.
Molecular consequence: frameshift variant.
Genome position (GRCh38, 1-based): chr2:47,806,323, T duplicated; the last of 2 consecutive T bases (chr2:47,806,322-47,806,323); duplicating either gives the same sequence. VCF-style (leftmost placement, unchanged base first): chr2-47806321-A-AT. GRCh37 (hg19) VCF-style: chr2-48033460-A-AT.
Other names: c.3376dup, p.Tyr1126fs (NM_001281492.2); c.2860dup, p.Tyr954fs (NM_001281493.2, NM_001281494.2); c.3766dupT (NM_000179.2); short protein forms Y1126fs, Y1256fs, Y954fs.
Identifiers: ClinVar variation 421675 (VCV000421675.9), dbSNP rs1553333127, ClinGen allele CA16617710.
Genomic context (GRCh38, chr2:47,806,321, plus strand): 5'-TTGCTGAGACTATAAAATGTCGTACATTATTTTCAACTCACTACCATTCATTAGTAGAAG[A>AT]TTATTCTCAAAATGTTGCTGTGCGCCTAGGACATATGGTATGTGCAAATTGTTTTTTTCC-3'

ClinVar aggregate classification (germline): Pathogenic. Review status: criteria provided, multiple submitters, no conflicts (2 of 4 stars). 3 submissions from 3 submitters: Pathogenic (3). Last evaluated 2024-07-10.

Conditions:
Hereditary nonpolyposis colorectal neoplasms. Identifiers: MedGen C0009405, MeSH D003123.
Lynch syndrome 5 (LYNCH5). Also called: Hereditary non-polyposis colorectal cancer, type 5; Colorectal cancer, hereditary nonpolyposis, type 5. Identifiers: Orphanet 144, MedGen C1833477, MONDO:0013710, OMIM 614350. Disease mechanism: loss of function.

Submissions (3):

Myriad Genetics, Inc.
Classification: Pathogenic for Lynch syndrome 5. Last evaluated: 2024-07-10. Review status: criteria provided, single submitter. Criteria: Myriad Autosomal Dominant, Autosomal Recessive and X-Linked Classification Criteria (2023). Collection method: clinical testing. Allele origin: unknown.
Comment: This variant is considered pathogenic. This variant creates a frameshift predicted to result in premature protein truncation.

Labcorp Genetics (formerly Invitae), Labcorp
Classification: Pathogenic for Hereditary nonpolyposis colorectal neoplasms. Last evaluated: 2024-02-23. Review status: criteria provided, single submitter. Criteria: Invitae Variant Classification Sherloc (09022015). Collection method: clinical testing. Allele origin: germline.
Comment: This sequence change creates a premature translational stop signal (p.Tyr1256Leufs*19) in the MSH6 gene. It is expected to result in an absent or disrupted protein product. Loss-of-function variants in MSH6 are known to be pathogenic (PMID: 18269114, 24362816). This variant is not present in population databases (gnomAD no frequency). This variant has not been reported in the literature in individuals affected with MSH6-related conditions. ClinVar contains an entry for this variant (Variation ID: 421675). For these reasons, this variant has been classified as Pathogenic.

GeneDx
Classification: Pathogenic. Last evaluated: 2016-07-11. Review status: criteria provided, single submitter. Criteria: GeneDx Variant Classification (06012015). Collection method: clinical testing. Allele origin: germline. Affected: yes.
Comment: This duplication of one nucleotides in MSH6 is denoted c.3766dupT at the cDNA level and p.Tyr1256LeufsX19 (Y1256LfsX19) at the protein level. The surrounding sequence is AGAT[T]ATTC. The duplication causes a frameshift which changes a Tyrosine to a Leucine at codon 1256, and creates a premature stop codon at position 19 of the new reading frame. Although this variant has not, to our knowledge, been reported in the literature, it is predicted to cause loss of normal protein function through either protein truncation or nonsense-mediated mRNA decay. We consider this variant to be pathogenic.

Literature cited by the submitters: PubMed 18269114 (cited by Labcorp Genetics (formerly Invitae), Labcorp); PubMed 24362816 (cited by Labcorp Genetics (formerly Invitae), Labcorp).